The following is an entry in ClinVar:

ClinVar aggregate classification (germline): Uncertain significance. Review status: criteria provided, multiple submitters, no conflicts (2 of 4 stars). 2 submissions from 2 submitters: Uncertain significance (2). Last evaluated 2026-06-01.

Conditions:
Primary ciliary dyskinesia 9. Also called: CILIARY DYSKINESIA, PRIMARY, 9, WITH OR WITHOUT SITUS INVERSUS. Identifiers: Orphanet 244, MedGen C2676235, MONDO:0012906, OMIM 612444.

Submissions (2):

Women's Health and Genetics/Laboratory Corporation of America, LabCorp
Classification: Uncertain significance. Last evaluated: 2026-06-01. Review status: criteria provided, single submitter. Criteria: LabCorp Variant Classification Summary - May 2015. Collection method: clinical testing. Allele origin: germline.
Comment: Variant summary: DNAI2 c.1494+2dupT alters a nucleotide located close to a canonical splice site and therefore could affect mRNA splicing, leading to a significantly altered protein sequence. Several computational tools predict a significant impact on normal splicing: Three predict the variant abolishes a 5' splicing donor site. One predicts the variant creates a 5' donor site. Two predict the variant creates a 3' acceptor site. However, these predictions have yet to be confirmed by functional studies. The variant allele was found at a frequency of 8e-06 in 249870 control chromosomes. c.1494+2dupT has been observed in the homozygous state in at least 1 individual(s) affected with DNAI2-related conditions (example, Fassad_2020). These data indicate that the variant may be associated with disease. To our knowledge, no experimental evidence demonstrating an impact on protein function has been reported. The following publication has been ascertained in the context of this evaluation (PMID: 31879361). No submitters have cited clinical-significance assessments for this variant to ClinVar. Based on the evidence outlined above, the variant was classified as VUS-possibly pathogenic.

Myriad Genetics, Inc.
Classification: Uncertain significance for Primary ciliary dyskinesia 9. Last evaluated: 2026-05-21. Review status: criteria provided, single submitter. Criteria: Myriad Autosomal Dominant, Autosomal Recessive and X-Linked Classification Criteria (2023). Collection method: clinical testing. Allele origin: unknown.
Comment: NM_023036.4(DNAI2):c.1494+2dupT is a variant in a canonical splice site classified as a variant of uncertain significance in the context of primary ciliary dyskinesia, DNAI2-related. c.1494+2dupT has been observed in a case with relevant disease (PMID: 31879361). Relevant functional assessments of this variant are not available in the literature. c.1494+2dupT has been observed in referenced population frequency databases. In summary, there is insufficient evidence to classify NM_023036.4(DNAI2):c.1494+2dupT as pathogenic or benign. Please note: this variant was assessed in the context of healthy population screening.

Literature cited by the submitters: PubMed 31879361 (cited by Women's Health and Genetics/Laboratory Corporation of America, LabCorp and Myriad Genetics, Inc.).

NM_023036.6(DNAI2):c.1494+2dup

Gene: DNAI2 (dynein axonemal intermediate chain 2; plus strand). Cytogenetic location: 17q25.1.
Variant type: Duplication.
Coding change: c.1494+2dup on transcript NM_023036.6 (MANE Select); the canonical splice donor site of the intron after coding-DNA position 1494, one base duplicated (T; older notation c.1494+2dupT).
Molecular consequence: splice donor variant.
Genome position (GRCh38, 1-based): chr17:74,310,165, T duplicated. VCF-style (leftmost placement, unchanged base first): chr17-74310164-G-GT. GRCh37 (hg19) VCF-style: chr17-72306303-G-GT.
Other names: c.1494+2dup (NM_001353167.2); c.1458+2dup (NM_001172810.3); c.1494+2dupT (NM_023036.6).
Identifiers: ClinVar variation 4887630 (VCV004887630.2).